The following is an entry in ClinVar:

NM_000051.4(ATM):c.215C>G (p.Thr72Arg)

Gene: ATM (ATM serine/threonine kinase; plus strand). Cytogenetic location: 11q22.3.
Variant type: single nucleotide variant.
Coding change: c.215C>G on transcript NM_000051.4 (MANE Select); coding-DNA position 215, C replaced by G.
Protein change: p.Thr72Arg; replaces threonine 72 with arginine.
Molecular consequence: missense variant.
Genome position (GRCh38, 1-based): chr11:108,229,207, C>G. VCF-style: chr11-108229207-C-G. GRCh37 (hg19) VCF-style: chr11-108099934-C-G.
Other names: c.215C>G, p.Thr72Arg (NM_001351834.2, NM_001351835.2, NM_001351836.2); short protein forms T72R.
Identifiers: ClinVar variation 569130 (VCV000569130.7), dbSNP rs876658893, ClinGen allele CA382521351.

ClinVar aggregate classification (germline): Uncertain significance (1 of 4 stars; one submission).

Conditions:
Ataxia-telangiectasia syndrome (AT). Also called: AT, COMPLEMENTATION GROUP C; Cerebello-oculocutaneous telangiectasia; Immunodeficiency with ataxia telangiectasia; Ataxia-telangiectasia, complementation group D; ATAXIA-TELANGIECTASIA, FRESNO VARIANT; Ataxia-telangiectasia, complementation group E. Identifiers: Orphanet 100, MedGen C0004135, MONDO:0008840, OMIM 208900.

Submission:

Labcorp Genetics (formerly Invitae), Labcorp
Classification: Uncertain significance for Ataxia-telangiectasia syndrome. Last evaluated: 2025-04-08. Review status: criteria provided, single submitter. Criteria: Invitae Variant Classification Sherloc (09022015). Collection method: clinical testing. Allele origin: germline.
Comment: This sequence change replaces threonine, which is neutral and polar, with arginine, which is basic and polar, at codon 72 of the ATM protein (p.Thr72Arg). This variant is not present in population databases (gnomAD no frequency). This variant has not been reported in the literature in individuals affected with ATM-related conditions. ClinVar contains an entry for this variant (Variation ID: 569130). Invitae Evidence Modeling of protein sequence and biophysical properties (such as structural, functional, and spatial information, amino acid conservation, physicochemical variation, residue mobility, and thermodynamic stability) indicates that this missense variant is not expected to disrupt ATM protein function with a negative predictive value of 95%. In summary, the available evidence is currently insufficient to determine the role of this variant in disease. Therefore, it has been classified as a Variant of Uncertain Significance.